The following is an entry in ClinVar:

NM_002691.4(POLD1):c.2194A>G (p.Lys732Glu)

Gene: POLD1 (DNA polymerase delta 1, catalytic subunit; plus strand). Cytogenetic location: 19q13.33.
Variant type: single nucleotide variant.
Coding change: c.2194A>G on transcript NM_002691.4 (MANE Select); coding-DNA position 2194, A replaced by G.
Protein change: p.Lys732Glu; replaces lysine 732 with glutamic acid.
Molecular consequence: missense variant. On other transcripts: non-coding transcript variant (1).
Genome position (GRCh38, 1-based): chr19:50,413,465, A>G. VCF-style: chr19-50413465-A-G. GRCh37 (hg19) VCF-style: chr19-50916722-A-G.
Other names: c.2194A>G, p.Lys732Glu (NM_001256849.1, NM_001438212.1, NM_001438213.1); c.2272A>G, p.Lys758Glu (NM_001308632.1); c.2122A>G, p.Lys708Glu (NM_001438210.1, NM_001438211.1); short protein forms K708E, K732E, K758E.
Identifiers: ClinVar variation 4862150 (VCV004862150.1).

ClinVar aggregate classification (germline): Uncertain significance (1 of 4 stars; one submission).

Conditions:
Hereditary cancer-predisposing syndrome. Also called: Neoplastic Syndromes, Hereditary; Tumor predisposition; Hereditary Cancer Syndrome; Hereditary neoplastic syndrome. Identifiers: Orphanet 140162, MedGen C0027672, MeSH D009386, MONDO:0015356.

Submission:

Ambry Genetics
Classification: Uncertain significance for Hereditary cancer-predisposing syndrome. Last evaluated: 2026-05-15. Review status: criteria provided, single submitter. Criteria: Ambry Variant Classification Scheme 2023. Collection method: clinical testing. Allele origin: germline.
Comment: The p.K732E variant (also known as c.2194A>G), located in coding exon 17 of the POLD1 gene, results from an A to G substitution at nucleotide position 2194. The lysine at codon 732 is replaced by glutamic acid, an amino acid with similar properties. This amino acid position is highly conserved in available vertebrate species. In addition, the in silico prediction for this alteration is inconclusive. Based on the available evidence, the clinical significance of this variant remains unclear.